The following is an entry in ClinVar:

NM_001267550.2(TTN):c.47550C>G (p.Phe15850Leu)

Genes: TTN (titin; minus strand), TTN-AS1 (TTN antisense RNA 1; plus strand). Cytogenetic location: 2q31.2.
Variant type: single nucleotide variant.
Coding change: c.47550C>G on transcript NM_001267550.2 (MANE Select); coding-DNA position 47550, C replaced by G.
Protein change: p.Phe15850Leu; replaces phenylalanine 15850 with leucine.
Molecular consequence: missense variant.
Genome position (GRCh38, 1-based): chr2:178,617,801, G>C on the plus strand (C>G on the coding strand, the complement: TTN is on the minus strand). VCF-style: chr2-178617801-G-C. GRCh37 (hg19) VCF-style: chr2-179482528-G-C.
Other names: p.F14209L:TTC>TTG; c.42627C>G, p.Phe14209Leu (NM_001256850.1); c.20355C>G, p.Phe6785Leu (NM_003319.4); c.39846C>G, p.Phe13282Leu (NM_133378.4); c.20730C>G, p.Phe6910Leu (NM_133432.3); c.20931C>G, p.Phe6977Leu (NM_133437.4); short protein forms F14209L, F15850L, F13282L, F6785L, F6910L, F6977L.
Identifiers: ClinVar variation 202658 (VCV000202658.2), dbSNP rs113350914, ClinGen allele CA309896.

ClinVar aggregate classification (germline): Uncertain significance (1 of 4 stars; one submission).

Allele frequency attached by ClinVar (database versions not stated): TOPMed 0.00001.
gnomAD v4.1: 4 of 1,612,134 alleles (0.00025%); highest among the groups gnomAD compares: African/African-American, 0.004%; no homozygotes.

Submission:

GeneDx
Classification: Uncertain significance. Last evaluated: 2014-02-12. Review status: criteria provided, single submitter. Criteria: GeneDx Variant Classification (06012015). Collection method: clinical testing. Allele origin: germline. Affected: yes.
Comment: Missense variants in the TTN gene are considered 'unclassified' if they are not previously reported in the literature and do not have >1% frequency in the population to be considered a polymorphism. Research indicates that truncating mutations in the TTN gene are expected to account for approximately 25% of familial and 18% of sporadic idiopathic DCM; however, truncating variants in the TTN gene have been reported in approximately 3% of reported control alleles. There has been little investigation into non-truncating variants. (Herman D et al. Truncations of titin causing dilated cardiomyopathy. N Eng J Med 366:619-628, 2012) The variant is found in DCM-CRDM panel(s).